The following is an entry in ClinVar:

NM_001166114.2(PNPLA6):c.3397+6T>C

Gene: PNPLA6 (patatin like domain 6, lysophospholipase; plus strand). Cytogenetic location: 19p13.2.
Variant type: single nucleotide variant.
Coding change: c.3397+6T>C on transcript NM_001166114.2 (MANE Select); 6 bases into the intron after coding-DNA position 3397, T replaced by C.
Molecular consequence: intron variant.
Genome position (GRCh38, 1-based): chr19:7,557,290, T>C. VCF-style: chr19-7557290-T-C. GRCh37 (hg19) VCF-style: chr19-7622176-T-C.
Other names: c.3283+6T>C (NM_006702.5, NM_001166113.1); c.3202+6T>C (NM_001166112.2); c.3427+6T>C (NM_001166111.2).
Identifiers: ClinVar variation 846600 (VCV000846600.8), dbSNP rs764082245, ClinGen allele CA9140441.

ClinVar aggregate classification (germline): Uncertain significance (1 of 4 stars; one submission).

Conditions:
Hereditary spastic paraplegia 39 (SPG39). Also called: SPASTIC PARAPLEGIA 39, AUTOSOMAL RECESSIVE; Spastic Paraplegia Type 39 (SPG39). Identifiers: Orphanet 139480, MedGen C2677586, MONDO:0012787, OMIM 612020.

Allele frequency attached by ClinVar (database versions not stated): gnomAD exomes 0.00004; ExAC 0.00005; TOPMed 0.00012; gnomAD 0.00015 and 0.00018.
gnomAD v4.1: 51 of 1,576,182 alleles (0.0032%); highest among the groups gnomAD compares: African/African-American, 0.063%; no homozygotes.

Submission:

Labcorp Genetics (formerly Invitae), Labcorp
Classification: Uncertain significance for Hereditary spastic paraplegia 39. Last evaluated: 2025-12-08. Review status: criteria provided, single submitter. Criteria: Invitae Variant Classification Sherloc (09022015). Collection method: clinical testing. Allele origin: germline.
Comment: This sequence change falls in intron 30 of the PNPLA6 gene. It does not directly change the encoded amino acid sequence of the PNPLA6 protein. It affects a nucleotide within the consensus splice site. This variant is present in population databases (rs764082245, gnomAD 0.06%). This variant has not been reported in the literature in individuals affected with PNPLA6-related conditions. ClinVar contains an entry for this variant (Variation ID: 846600). Variants that disrupt the consensus splice site are a relatively common cause of aberrant splicing (PMID: 17576681, 9536098). Algorithms developed to predict the effect of sequence changes on RNA splicing suggest that this variant is not likely to affect RNA splicing. In summary, the available evidence is currently insufficient to determine the role of this variant in disease. Therefore, it has been classified as a Variant of Uncertain Significance.

Literature cited by the submitters: PubMed 17576681; PubMed 9536098.